The following is an entry in ClinVar:

NM_000748.3(CHRNB2):c.1068C>A (p.Cys356Ter)

Gene: CHRNB2 (cholinergic receptor nicotinic beta 2 subunit; plus strand). Cytogenetic location: 1q21.3.
Variant type: single nucleotide variant.
Coding change: c.1068C>A on transcript NM_000748.3 (MANE Select); coding-DNA position 1068, C replaced by A.
Protein change: p.Cys356Ter; replaces cysteine 356 with a stop codon.
Molecular consequence: nonsense.
Genome position (GRCh38, 1-based): chr1:154,571,891, C>A. VCF-style: chr1-154571891-C-A. GRCh37 (hg19) VCF-style: chr1-154544367-C-A.
Other names: short protein forms C356*.
Identifiers: ClinVar variation 589945 (VCV000589945.5), dbSNP rs762237464, ClinGen allele CA342631421.
Genomic context (GRCh38, chr1:154,571,891, plus strand): 5'-GGTCGTCTTCCTGGAGAAGCTGCCCGCGCTGCTCTTCATGCAGCAGCCACGCCATCATTG[C>A]GCCCGTCAGCGCCTGCGCCTGCGGCGACGCCAGCGTGAGCGCGAGGGCGCTGGAGCCCTC-3'

ClinVar aggregate classification (germline): Uncertain significance (1 of 4 stars; one submission).

Conditions:
Inborn genetic diseases. Identifiers: MedGen C0950123, MeSH D030342.

Submission:

Ambry Genetics
Classification: Uncertain significance for Inborn genetic diseases. Last evaluated: 2016-10-10. Review status: criteria provided, single submitter. Criteria: Ambry Variant Classification Scheme 2023. Collection method: clinical testing. Allele origin: germline.
Comment: The p.C356* variant (also known as c.1068C>A), located in coding exon 5 of the CHRNB2 gene, results from a C to A substitution at nucleotide position 1068. This changes the amino acid from a cysteine to a stop codon within coding exon 5. This variant was not reported in population based cohorts in the following databases: Database of Single Nucleotide Polymorphisms (dbSNP), NHLBI Exome Sequencing Project (ESP), and 1000 Genomes Project. In the ESP, this variant was not observed in 6487 samples (12974 alleles) with coverage at this position. This alteration is expected to result in loss of function by premature protein truncation or nonsense-mediated mRNA decay. However, loss of function of CHRNB2 has not been clearly established as a mechanism of disease. Since supporting evidence is limited at this time, the clinical significance of this alteration remains unclear.